The following is an entry in ClinVar:

NM_006941.4(SOX10):c.550G>A (p.Ala184Thr)

Genes: POLR2F (RNA polymerase II, I and III subunit F; plus strand), SOX10 (SRY-box transcription factor 10; minus strand). Cytogenetic location: 22q13.1.
Variant type: single nucleotide variant.
Coding change: c.550G>A on transcript NM_006941.4 (MANE Select); coding-DNA position 550, G replaced by A.
Protein change: p.Ala184Thr; replaces alanine 184 with threonine.
Molecular consequence: missense variant. On other transcripts: intron variant (3).
Genome position (GRCh38, 1-based): chr22:37,978,014, C>T on the plus strand (G>A on the coding strand, the complement: SOX10 is on the minus strand). VCF-style: chr22-37978014-C-T. GRCh37 (hg19) VCF-style: chr22-38374021-C-T.
Other names: c.*38+5704C>T (NM_001363825.1); c.294-8140C>T (NM_001301130.2); c.293+10844C>T (NM_001301131.2); short protein forms A184T.
Identifiers: ClinVar variation 4710624 (VCV004710624.2).
Genomic context (GRCh38, chr22:37,978,014, plus strand): 5'-GGATGGCGGCGGTCCCACCTTGCTCGGCCTCCCCACCGGGGCACTCCGCCTCGCCCTGGG[C>T]GGCCTTCCCGTTCTTCCGCCGCCTGGGCTGGTACTTGTAGTCCGGGTGGTCTTTCTTGTG-3'
Protein context (NP_008872.1, residues 174-194): QPRRRKNGKA[Ala184Thr]QGEAECPGGE

ClinVar aggregate classification (germline): Conflicting classifications of pathogenicity. Review status: criteria provided, conflicting classifications (1 of 4 stars). 2 submissions from 2 submitters: Uncertain significance (1); Likely benign (1). Last evaluated 2026-05-14.

Conditions:
SOX10-related disorder. Also called: SOX10-related condition.

gnomAD v4.1: 38 of 1,611,522 alleles (0.0024%); highest among the groups gnomAD compares: Middle Eastern, 0.017%; no homozygotes.

Submissions (2):

PreventionGenetics, part of Exact Sciences
Classification: Uncertain significance for SOX10-related condition. Last evaluated: 2026-05-14. Review status: criteria provided, single submitter. Criteria: ACMG Guidelines, 2015. Collection method: clinical testing. Allele origin: germline.
Comment: The SOX10 c.550G>A variant is predicted to result in the amino acid substitution p.Ala184Thr. This variant was reported in an individual with unspecified clinical features (Yavarna et al. 2015. PubMed ID: 26077850). This variant is reported in 0.0095% of alleles in individuals of European (Non-Finnish) descent in gnomAD, including 38 heterozygotes in the more recent gnomAD v4.1.1 database. At this time, the clinical significance of this variant is uncertain due to the absence of conclusive functional and genetic evidence.

Labcorp Genetics (formerly Invitae), Labcorp
Classification: Likely benign. Last evaluated: 2025-05-09. Review status: criteria provided, single submitter. Criteria: Invitae Variant Classification Sherloc (09022015). Collection method: clinical testing. Allele origin: germline.